The following is an entry in ClinVar:

ClinVar aggregate classification (germline): Benign (1 of 4 stars; one submission).

Conditions:
Cataract 6 multiple types. Also called: CATARACT, AGE-RELATED CORTICAL, 2; CATARACT 6, POSTERIOR POLAR; CATARACT 6, CONGENITAL TOTAL. Identifiers: Orphanet 91492, MedGen C1861825, MONDO:0007288, OMIM 116600.

Allele frequency attached by ClinVar (database versions not stated): gnomAD 0.01791 and 0.01913; 1000 Genomes Project 0.02196; TOPMed 0.02035; 1000 Genomes Project 30x 0.02280.

Submission:

Illumina Laboratory Services, Illumina
Classification: Benign for Cataract 6 multiple types. Last evaluated: 2018-01-13. Review status: criteria provided, single submitter. Criteria: ICSL Variant Classification Criteria 13 December 2019. Collection method: clinical testing. Allele origin: germline.
Comment: This variant was observed in the ICSL laboratory as part of a predisposition screen in an ostensibly healthy population. It had not been previously curated by ICSL or reported in the Human Gene Mutation Database (HGMD: prior to June 1st, 2018), and was therefore a candidate for classification through an automated scoring system. Utilizing variant allele frequency, disease prevalence and penetrance estimates, and inheritance mode, an automated score was calculated to assess if this variant is too frequent to cause the disease. Based on the score and internal cut-off values, a variant classified as benign is not then subjected to further curation. The score for this variant resulted in a classification of benign for this disease.

NM_004431.5(EPHA2):c.*742T>A

Gene: EPHA2 (EPH receptor A2; minus strand). Cytogenetic location: 1p36.13.
Variant type: single nucleotide variant.
Coding change: c.*742T>A on transcript NM_004431.5 (MANE Select); 742 bases downstream of the stop codon, T replaced by A.
Molecular consequence: 3 prime UTR variant.
Genome position (GRCh38, 1-based): chr1:16,124,473, A>T on the plus strand (T>A on the coding strand, the complement: EPHA2 is on the minus strand). VCF-style: chr1-16124473-A-T. GRCh37 (hg19) VCF-style: chr1-16450968-A-T.
Other names: c.*742T>A (NM_001329090.2).
Identifiers: ClinVar variation 293390 (VCV000293390.5), dbSNP rs111512184, ClinGen allele CA10607998.